The following is an entry in ClinVar:

NM_000170.3(GLDC):c.578A>G (p.Asn193Ser)

Gene: GLDC (glycine decarboxylase; minus strand). Cytogenetic location: 9p24.1.
Variant type: single nucleotide variant.
Coding change: c.578A>G on transcript NM_000170.3 (MANE Select); coding-DNA position 578, A replaced by G.
Protein change: p.Asn193Ser; replaces asparagine 193 with serine.
Molecular consequence: missense variant.
Genome position (GRCh38, 1-based): chr9:6,610,249, T>C on the plus strand (A>G on the coding strand, the complement: GLDC is on the minus strand). VCF-style: chr9-6610249-T-C. GRCh37 (hg19) VCF-style: chr9-6610249-T-C.
Other names: short protein forms N193S.
Identifiers: ClinVar variation 585941 (VCV000585941.12), dbSNP rs555919940, ClinGen allele CA4981087.
Genomic context (GRCh38, chr9:6,610,249, plus strand): 5'-CACCTGTAGCACAGCTGCAGTGCCTCTGCGGCTGCAGTCCCCTCATCCAGCAGGGATGCA[T>C]TGGCCATGTCCAGGCCTGTGATGTCACACACCATGGTCTGGTAGTTGAGTAAACTCTCCA-3'
Protein context (NP_000161.2, residues 183-203): VCDITGLDMA[Asn193Ser]ASLLDEGTAA

ClinVar aggregate classification (germline): Uncertain significance. Review status: criteria provided, multiple submitters, no conflicts (2 of 4 stars). 5 submissions from 5 submitters: Uncertain significance (4). 1 of the submissions does not count toward it. Last evaluated 2024-05-27.

Conditions:
Glycine encephalopathy. Also called: Non-ketotic hyperglycinemia; Nonketotic hyperglycinemia. Identifiers: Orphanet 407, MedGen C0751748, MONDO:0011612, HP:0008288.

Allele frequency attached by ClinVar (database versions not stated): TOPMed 0.00006; gnomAD 0.00007; gnomAD exomes 0.00008; ExAC 0.00012; 1000 Genomes Project 30x 0.00016; 1000 Genomes Project 0.00020.
gnomAD v4.1: 138 of 1,613,960 alleles (0.0086%); highest among the groups gnomAD compares: Middle Eastern, 0.017%; no homozygotes.

Submissions (5):

Blueprint Genetics
Classification: Uncertain significance. Last evaluated: 2024-05-27. Review status: criteria provided, single submitter. Criteria: ACMG Guidelines, 2015. Collection method: clinical testing. Allele origin: germline.

Labcorp Genetics (formerly Invitae), Labcorp
Classification: Uncertain significance for Glycine encephalopathy. Last evaluated: 2022-10-17. Review status: criteria provided, single submitter. Criteria: Invitae Variant Classification Sherloc (09022015). Collection method: clinical testing. Allele origin: germline.
Comment: This sequence change replaces asparagine, which is neutral and polar, with serine, which is neutral and polar, at codon 193 of the GLDC protein (p.Asn193Ser). This variant is present in population databases (rs555919940, gnomAD 0.02%). This variant has not been reported in the literature in individuals affected with GLDC-related conditions. ClinVar contains an entry for this variant (Variation ID: 585941). Advanced modeling of protein sequence and biophysical properties (such as structural, functional, and spatial information, amino acid conservation, physicochemical variation, residue mobility, and thermodynamic stability) performed at Invitae indicates that this missense variant is not expected to disrupt GLDC protein function. In summary, the available evidence is currently insufficient to determine the role of this variant in disease. Therefore, it has been classified as a Variant of Uncertain Significance.

GeneDx
Classification: Uncertain significance. Last evaluated: 2019-08-28. Review status: criteria provided, single submitter. Criteria: GeneDx Variant Classification Process June 2021. Collection method: clinical testing. Allele origin: germline. Affected: yes.
Comment: In silico analysis, which includes protein predictors and evolutionary conservation, supports a deleterious effect; Has not been previously published as pathogenic or benign to our knowledge

Athena Diagnostics
Classification: Uncertain significance. Last evaluated: 2017-11-01. Review status: criteria provided, single submitter. Criteria: Athena Diagnostics Criteria. Collection method: clinical testing. Allele origin: germline.

Natera, Inc.
Classification: Uncertain significance for Non-ketotic hyperglycinemia. Last evaluated: 2019-10-28. Review status: no assertion criteria provided. Collection method: clinical testing. Allele origin: germline. Not counted in ClinVar's aggregate classification.